The following is an entry in ClinVar:

NM_000271.5(NPC1):c.3136C>T (p.Gln1046Ter)

Gene: NPC1 (NPC intracellular cholesterol transporter 1; minus strand). Cytogenetic location: 18q11.2.
Variant type: single nucleotide variant.
Coding change: c.3136C>T on transcript NM_000271.5 (MANE Select); coding-DNA position 3136, C replaced by T.
Protein change: p.Gln1046Ter; replaces glutamine 1046 with a stop codon.
Molecular consequence: nonsense.
Genome position (GRCh38, 1-based): chr18:23,536,782, G>A on the plus strand (C>T on the coding strand, the complement: NPC1 is on the minus strand). VCF-style: chr18-23536782-G-A. GRCh37 (hg19) VCF-style: chr18-21116746-G-A.
Other names: short protein forms Q1046*.
Identifiers: ClinVar variation 984318 (VCV000984318.3), dbSNP rs1446718670, ClinGen allele CA401791860.

ClinVar aggregate classification (germline): Likely pathogenic (1 of 4 stars; one submission).

Conditions:
Niemann-Pick disease, type C1. Also called: NIEMANN-PICK DISEASE, VARIANT TYPE C1; NIEMANN-PICK DISEASE WITHOUT SPHINGOMYELINASE DEFICIENCY; NIEMANN-PICK DISEASE, CHRONIC NEURONOPATHIC FORM; NEUROVISCERAL STORAGE DISEASE WITH VERTICAL SUPRANUCLEAR OPHTHALMOPLEGIA; NIEMANN-PICK DISEASE WITH CHOLESTEROL ESTERIFICATION BLOCK. Identifiers: Orphanet 646, MedGen C3179455, MONDO:0009757, OMIM 257220.

Submission:

Myriad Genetics, Inc.
Classification: Likely pathogenic for Niemann-Pick disease, type C1. Last evaluated: 2019-01-22. Review status: criteria provided, single submitter. Criteria: Myriad Women's Health Autosomal Recessive and X-Linked Classification Criteria (2019). Collection method: clinical testing. Allele origin: unknown.
Comment: NM_000271.4(NPC1):c.3136C>T(Q1046*) is expected to be pathogenic in the context of Niemann-Pick disease type C1. This variant is predicted to lead to an abnormal or absent protein product due to the creation of a premature termination codon in NPC1, a gene where loss-of-function variants are known to be pathogenic. Please note: this variant was assessed in the context of healthy population screening.